The following is an entry in ClinVar:

NM_004484.4(GPC3):c.469T>C (p.Leu157=)

Gene: GPC3 (glypican 3; minus strand). Cytogenetic location: Xq26.2.
Variant type: single nucleotide variant.
Coding change: c.469T>C on transcript NM_004484.4 (MANE Select); coding-DNA position 469, T replaced by C.
Protein change: p.Leu157=; no amino-acid change (leucine 157 retained).
Molecular consequence: synonymous variant.
Genome position (GRCh38, 1-based): chrX:133,754,045, A>G on the plus strand (T>C on the coding strand, the complement: GPC3 is on the minus strand). VCF-style: chrX-133754045-A-G. GRCh37 (hg19) VCF-style: chrX-132888072-A-G.
Other names: c.469T>C, p.Leu157= (NM_001164617.2); c.421T>C, p.Leu141= (NM_001164618.2); c.307T>C, p.Leu103= (NM_001164619.2).
Identifiers: ClinVar variation 4084767 (VCV004084767.8).

ClinVar aggregate classification (germline): Likely benign (1 of 4 stars; one submission).

Submission:

CeGaT Center for Human Genetics Tuebingen
Classification: Likely benign. Last evaluated: 2025-08-01. Review status: criteria provided, single submitter. Criteria: CeGaT Center For Human Genetics Tuebingen Variant Classification Criteria Version 2. Collection method: clinical testing. Allele origin: germline. Affected: yes. Observed: 1 variant allele.
Comment: GPC3: PM2:Supporting, BP4, BP7